The following is an entry in ClinVar:

NM_001875.5(CPS1):c.4402C>T (p.Gln1468Ter)

Gene: CPS1 (carbamoyl-phosphate synthase 1; plus strand). Cytogenetic location: 2q34.
Variant type: single nucleotide variant.
Coding change: c.4402C>T on transcript NM_001875.5 (MANE Select); coding-DNA position 4402, C replaced by T.
Protein change: p.Gln1468Ter; replaces glutamine 1468 with a stop codon.
Molecular consequence: nonsense. On other transcripts: non-coding transcript variant (2).
Genome position (GRCh38, 1-based): chr2:210,677,134, C>T. VCF-style: chr2-210677134-C-T. GRCh37 (hg19) VCF-style: chr2-211541858-C-T.
Other names: c.4402C>T, p.Gln1468Ter (NM_001122633.3, NM_001369257.1); c.4435C>T, p.Gln1479Ter (NM_001369256.1); short protein forms Q1468*, Q1479*.
Identifiers: ClinVar variation 5004236 (VCV005004236.1).

ClinVar aggregate classification (germline): Pathogenic (1 of 4 stars; one submission).

Conditions:
Congenital hyperammonemia, type I. Also called: Carbamoyl phosphate synthetase I deficiency disease; CPS I DEFICIENCY; Carbamoyl-phosphate synthase I deficiency; Carbamoyl phosphate synthetase 1 deficiency; Hyperammonemia due to carbamoyl phosphate synthetase 1 deficiency; CPS 1 deficiency. Identifiers: Orphanet 147, MedGen C4082171, MONDO:0009376, OMIM 237300.

Submission:

Myriad Genetics, Inc.
Classification: Pathogenic for Congenital hyperammonemia, type I. Last evaluated: 2025-10-20. Review status: criteria provided, single submitter. Criteria: Myriad Autosomal Dominant, Autosomal Recessive and X-Linked Classification Criteria (2023). Collection method: clinical testing. Allele origin: unknown.
Comment: NM_001875.4(CPS1):c.4402C>T(Q1468*) is a nonsense variant classified as pathogenic in the context of carbamoylphosphate synthetase I deficiency. Q1468* has not been observed in cases with relevant disease. Relevant functional assessments of this variant are not available in the literature. Q1468* has not been observed in referenced population frequency databases. In summary, NM_001875.4(CPS1):c.4402C>T(Q1468*) is a nonsense variant in a gene where loss of function is a known mechanism of disease and is predicted to disrupt protein function. Please note: this variant was assessed in the context of healthy population screening.